The following is an entry in ClinVar:

ClinVar aggregate classification (germline): Uncertain significance (1 of 4 stars; one submission).

Conditions:
Predisposition to invasive fungal disease due to CARD9 deficiency (IMD103). Also called: IMMUNODEFICIENCY 103, SUSCEPTIBILITY TO FUNGAL INFECTIONS; Candidiasis, familial, 2, autosomal recessive; CARD9 IMMUNODEFICIENCY. Identifiers: Orphanet 457088, MedGen C1859353, MONDO:0008905, OMIM 212050.

Submission:

Labcorp Genetics (formerly Invitae), Labcorp
Classification: Uncertain significance for Predisposition to invasive fungal disease due to CARD9 deficiency. Last evaluated: 2025-04-27. Review status: criteria provided, single submitter. Criteria: Invitae Variant Classification Sherloc (09022015). Collection method: clinical testing. Allele origin: germline.
Comment: This sequence change replaces leucine, which is neutral and non-polar, with arginine, which is basic and polar, at codon 80 of the CARD9 protein (p.Leu80Arg). This variant is not present in population databases (gnomAD no frequency). This variant has not been reported in the literature in individuals affected with CARD9-related conditions. Invitae Evidence Modeling of protein sequence and biophysical properties (such as structural, functional, and spatial information, amino acid conservation, physicochemical variation, residue mobility, and thermodynamic stability) indicates that this missense variant is expected to disrupt CARD9 protein function with a positive predictive value of 80%. In summary, the available evidence is currently insufficient to determine the role of this variant in disease. Therefore, it has been classified as a Variant of Uncertain Significance.

NM_052813.5(CARD9):c.239T>G (p.Leu80Arg)

Gene: CARD9 (caspase recruitment domain family member 9; minus strand). Cytogenetic location: 9q34.3.
Variant type: single nucleotide variant.
Coding change: c.239T>G on transcript NM_052813.5 (MANE Select); coding-DNA position 239, T replaced by G.
Protein change: p.Leu80Arg; replaces leucine 80 with arginine.
Molecular consequence: missense variant.
Genome position (GRCh38, 1-based): chr9:136,371,407, A>C on the plus strand (T>G on the coding strand, the complement: CARD9 is on the minus strand). VCF-style: chr9-136371407-A-C. GRCh37 (hg19) VCF-style: chr9-139265859-A-C.
Other names: c.239T>G, p.Leu80Arg (NM_052814.4); short protein forms L80R.
Identifiers: ClinVar variation 4698972 (VCV004698972.1).